The following is an entry in ClinVar:

ClinVar aggregate classification (germline): Uncertain significance (1 of 4 stars; one submission).

gnomAD v4.1: 1 of 1,614,182 alleles (0.000062%); highest among the groups gnomAD compares: East Asian, 0.0022%; no homozygotes.

Submission:

Labcorp Genetics (formerly Invitae), Labcorp
Classification: Uncertain significance. Last evaluated: 2025-09-22. Review status: criteria provided, single submitter. Criteria: Invitae Variant Classification Sherloc (09022015). Collection method: clinical testing. Allele origin: germline.
Comment: This sequence change replaces glutamine, which is neutral and polar, with histidine, which is basic and polar, at codon 383 of the HNF1B protein (p.Gln383His). This variant is present in population databases (rs757649029, gnomAD 0.006%). This variant has not been reported in the literature in individuals affected with HNF1B-related conditions. Invitae Evidence Modeling of protein sequence and biophysical properties (such as structural, functional, and spatial information, amino acid conservation, physicochemical variation, residue mobility, and thermodynamic stability) indicates that this missense variant is not expected to disrupt HNF1B protein function with a negative predictive value of 80%. In summary, the available evidence is currently insufficient to determine the role of this variant in disease. Therefore, it has been classified as a Variant of Uncertain Significance.

NM_000458.4(HNF1B):c.1149A>C (p.Gln383His)

Gene: HNF1B (HNF1 homeobox B; minus strand). Cytogenetic location: 17q12.
Variant type: single nucleotide variant.
Coding change: c.1149A>C on transcript NM_000458.4 (MANE Select); coding-DNA position 1149, A replaced by C.
Protein change: p.Gln383His; replaces glutamine 383 with histidine.
Molecular consequence: missense variant.
Genome position (GRCh38, 1-based): chr17:37,710,560, T>G on the plus strand (A>C on the coding strand, the complement: HNF1B is on the minus strand). VCF-style: chr17-37710560-T-G. GRCh37 (hg19) VCF-style: chr17-36070568-T-G.
Other names: c.1071A>C, p.Gln357His (NM_001165923.4, NM_001304286.2); c.1149A>C, p.Gln383His (NM_001411100.1); short protein forms Q357H, Q383H.
Identifiers: ClinVar variation 4740030 (VCV004740030.1).
Genomic context (GRCh38, chr17:37,710,560, plus strand): 5'-CACCATTTTACCATCAGGTGAGAGGAGATTGTGGCCTGGGTCCAGGCTGGCTGGGGAGAC[T>G]TGCTGTAAAACCGACTGGCTGGTCACCATGGCGCTGTTGCCATGGTGACTGATTGTTGAG-3'
Protein context (NP_000449.1, residues 373-393): AMVTSQSVLQ[Gln383His]VSPASLDPGH